The following is an entry in ClinVar:

NC_000011.9:g.(?_64577559)_(64578852_?)del

Gene: MEN1 (menin 1; minus strand). Cytogenetic location: 11q13.1.
Variant type: Deletion.
Identifiers: ClinVar variation 2427196 (VCV002427196.3).

ClinVar aggregate classification (germline): Pathogenic (1 of 4 stars; one submission).

Conditions:
Multiple endocrine neoplasia, type 1 (MEN1). Also called: MEA I; MEN I; WERMER SYNDROME; Endocrine adenomatosis multiple; MEN 1. Identifiers: Orphanet 652, MedGen C0025267, MeSH D018761, MONDO:0007540, OMIM 131100.

Submission:

Labcorp Genetics (formerly Invitae), Labcorp
Classification: Pathogenic for Multiple endocrine neoplasia, type 1. Last evaluated: 2020-12-02. Review status: criteria provided, single submitter. Criteria: Invitae Variant Classification Sherloc (09022015). Collection method: clinical testing. Allele origin: germline.
Comment: For these reasons, this variant has been classified as Pathogenic. Similar deletions including the initiator codon have been observed in individual(s) with clinical features of MEN1-related conditions (PMID: 15082967, 29036195, 19174080). This variant results in the deletion of exon 1 and part of exon 2 (c.-774_23del) of the MEN1 gene. It is expected to result in an absent or disrupted protein product. Loss-of-function variants in MEN1 are known to be pathogenic (PMID: 12112656, 17853334).

Literature cited by the submitters: PubMed 15082967; PubMed 29036195; PubMed 19174080; PubMed 12112656; PubMed 17853334.